The following is an entry in ClinVar:

NM_000051.4(ATM):c.4564G>A (p.Gly1522Ser)

Gene: ATM (ATM serine/threonine kinase; plus strand). Cytogenetic location: 11q22.3.
Variant type: single nucleotide variant.
Coding change: c.4564G>A on transcript NM_000051.4 (MANE Select); coding-DNA position 4564, G replaced by A.
Protein change: p.Gly1522Ser; replaces glycine 1522 with serine.
Molecular consequence: missense variant.
Genome position (GRCh38, 1-based): chr11:108,292,746, G>A. VCF-style: chr11-108292746-G-A. GRCh37 (hg19) VCF-style: chr11-108163473-G-A.
Other names: c.4564G>A, p.Gly1522Ser (NM_001351834.2); short protein forms G1522S.
Identifiers: ClinVar variation 421999 (VCV000421999.28), dbSNP rs1064795495, ClinGen allele CA16619185.
Genomic context (GRCh38, chr11:108,292,746, plus strand): 5'-TGCCAGACAGCCGTGACTTACTGTAAGGATGCTCTAGAAAACCATCTTCATGTTATTGTT[G>A]GTACACTTATACCCCTTGTGTATGAGCAGGTGGAGGTTCAGAAACAGGTAATTTTCTGAC-3'
Protein context (NP_000042.3, residues 1512-1532): ALENHLHVIV[Gly1522Ser]TLIPLVYEQV

ClinVar aggregate classification (germline): Uncertain significance. Review status: criteria provided, multiple submitters, no conflicts (2 of 4 stars). 6 submissions from 6 submitters: Uncertain significance (5). 1 of the submissions does not count toward it. Last evaluated 2026-01-06.

Conditions:
Hereditary cancer-predisposing syndrome. Also called: Hereditary neoplastic syndrome; Hereditary Cancer Syndrome; Neoplastic Syndromes, Hereditary; Tumor predisposition. Identifiers: Orphanet 140162, MedGen C0027672, MeSH D009386, MONDO:0015356.
Familial cancer of breast. Also called: hereditary breast carcinoma; Hereditary breast cancer; BREAST CANCER, FAMILIAL. Identifiers: Orphanet 227535, MedGen C0346153, MONDO:0016419, OMIM 114480. Disease mechanism: loss of function.
Ataxia-telangiectasia syndrome (AT). Also called: Ataxia-telangiectasia, complementation group D; Cerebello-oculocutaneous telangiectasia; Immunodeficiency with ataxia telangiectasia; ATAXIA-TELANGIECTASIA, COMPLEMENTATION GROUP A; ATAXIA-TELANGIECTASIA, FRESNO VARIANT; LOUIS-BAR SYNDROME. Identifiers: Orphanet 100, MedGen C0004135, MONDO:0008840, OMIM 208900.

Allele frequency attached by ClinVar (database versions not stated): gnomAD exomes below 0.00001 and 0.00001.

Submissions (6):

Labcorp Genetics (formerly Invitae), Labcorp
Classification: Uncertain significance for Ataxia-telangiectasia syndrome. Last evaluated: 2026-01-06. Review status: criteria provided, single submitter. Criteria: Invitae Variant Classification Sherloc (09022015). Collection method: clinical testing. Allele origin: germline.
Comment: This sequence change replaces glycine, which is neutral and non-polar, with serine, which is neutral and polar, at codon 1522 of the ATM protein (p.Gly1522Ser). The frequency data for this variant in the population databases is considered unreliable, as metrics indicate poor data quality at this position in the gnomAD database. This variant has not been reported in the literature in individuals affected with ATM-related conditions. ClinVar contains an entry for this variant (Variation ID: 421999). Invitae Evidence Modeling of protein sequence and biophysical properties (such as structural, functional, and spatial information, amino acid conservation, physicochemical variation, residue mobility, and thermodynamic stability) indicates that this missense variant is not expected to disrupt ATM protein function with a negative predictive value of 95%. RNA analysis performed to evaluate the impact of this missense change on mRNA splicing indicates it does not significantly alter splicing (internal data). In summary, the available evidence is currently insufficient to determine the role of this variant in disease. Therefore, it has been classified as a Variant of Uncertain Significance.

Ambry Genetics
Classification: Uncertain significance for Hereditary cancer-predisposing syndrome. Last evaluated: 2024-08-28. Review status: criteria provided, single submitter. Criteria: Ambry Variant Classification Scheme 2023. Collection method: clinical testing. Allele origin: germline.
Comment: The p.G1522S variant (also known as c.4564G>A), located in coding exon 29 of the ATM gene, results from a G to A substitution at nucleotide position 4564. The glycine at codon 1522 is replaced by serine, an amino acid with similar properties. This alteration has been reported in at least one breast cancer patient in a study of 13087 breast cancer cases and 5488 control individuals in the UK (Decker B et al. J Med Genet, 2017 11;54:732-741). This amino acid position is highly conserved in available vertebrate species. In addition, this alteration is predicted to be deleterious by in silico analysis. Based on the available evidence, the clinical significance of this variant remains unclear.

Baylor Genetics
Classification: Uncertain significance for Familial cancer of breast. Last evaluated: 2023-12-28. Review status: criteria provided, single submitter. Criteria: ACMG Guidelines, 2015. Collection method: clinical testing. Allele origin: unknown.

GeneDx
Classification: Uncertain significance. Last evaluated: 2023-10-04. Review status: criteria provided, single submitter. Criteria: GeneDx Variant Classification Process June 2021. Collection method: clinical testing. Allele origin: germline. Affected: yes.
Comment: Not observed at significant frequency in large population cohorts (gnomAD); In silico analysis supports that this missense variant does not alter protein structure/function; This variant is associated with the following publications: (PMID: 28779002, 32957588)

Color Diagnostics, LLC DBA Color Health
Classification: Uncertain significance for Hereditary cancer-predisposing syndrome. Last evaluated: 2022-06-29. Review status: criteria provided, single submitter. Criteria: ACMG Guidelines, 2015. Collection method: clinical testing. Allele origin: germline.
Comment: This missense variant replaces glycine with serine at codon 1522 of the ATM protein. Computational prediction suggests that this variant may not impact protein structure and function (internally defined REVEL score threshold <= 0.5, PMID: 27666373). To our knowledge, functional studies have not been reported for this variant. This variant has not been reported in individuals affected with hereditary cancer in the literature. This variant has been identified in 1/251348 chromosomes in the general population by the Genome Aggregation Database (gnomAD). The available evidence is insufficient to determine the role of this variant in disease conclusively. Therefore, this variant is classified as a Variant of Uncertain Significance.

Natera, Inc.
Classification: Uncertain significance for Ataxia-telangiectasia. Last evaluated: 2021-05-20. Review status: no assertion criteria provided. Collection method: clinical testing. Allele origin: germline. Not counted in ClinVar's aggregate classification.

Literature cited by the submitters: PubMed 28779002 (cited by Ambry Genetics); PubMed 32957588 (cited by Ambry Genetics).